The following is an entry in ClinVar:

ClinVar aggregate classification (germline): Likely pathogenic (1 of 4 stars; one submission).

Submission:

Labcorp Genetics (formerly Invitae), Labcorp
Classification: Likely pathogenic. Last evaluated: 2025-10-27. Review status: criteria provided, single submitter. Criteria: Invitae Variant Classification Sherloc (09022015). Collection method: clinical testing. Allele origin: germline.
Comment: This sequence change affects an acceptor splice site in intron 42 of the ATR gene. It is expected to disrupt RNA splicing. Variants that disrupt the donor or acceptor splice site typically lead to a loss of protein function (PMID: 16199547), and loss-of-function variants in ATR are known to be pathogenic (PMID: 21228398, 23144622). This variant is not present in population databases (gnomAD no frequency). This variant has not been reported in the literature in individuals affected with ATR-related conditions. Algorithms developed to predict the effect of sequence changes on RNA splicing suggest that this variant may disrupt the consensus splice site. In summary, the currently available evidence indicates that the variant is pathogenic, but additional data are needed to prove that conclusively. Therefore, this variant has been classified as Likely Pathogenic.

Literature cited by the submitters: PubMed 16199547; PubMed 21228398; PubMed 23144622.

NM_001184.4(ATR):c.7193-1G>A

Gene: ATR (ATR checkpoint kinase; minus strand). Cytogenetic location: 3q23.
Variant type: single nucleotide variant.
Coding change: c.7193-1G>A on transcript NM_001184.4 (MANE Select); the canonical splice acceptor site of the intron before coding-DNA position 7193, G replaced by A.
Molecular consequence: splice acceptor variant.
Genome position (GRCh38, 1-based): chr3:142,459,384, C>T on the plus strand (G>A on the coding strand, the complement: ATR is on the minus strand). VCF-style: chr3-142459384-C-T. GRCh37 (hg19) VCF-style: chr3-142178226-C-T.
Other names: c.7001-1G>A (NM_001354579.2).
Identifiers: ClinVar variation 4741990 (VCV004741990.1).